The following is an entry in ClinVar:

NM_013436.5(NCKAP1):c.2320C>A (p.Gln774Lys)

Gene: NCKAP1 (NCK associated protein 1; minus strand). Cytogenetic location: 2q32.1.
Variant type: single nucleotide variant.
Coding change: c.2320C>A on transcript NM_013436.5 (MANE Select); coding-DNA position 2320, C replaced by A.
Protein change: p.Gln774Lys; replaces glutamine 774 with lysine.
Molecular consequence: missense variant.
Genome position (GRCh38, 1-based): chr2:182,953,165, G>T on the plus strand (C>A on the coding strand, the complement: NCKAP1 is on the minus strand). VCF-style: chr2-182953165-G-T. GRCh37 (hg19) VCF-style: chr2-183817893-G-T.
Other names: c.2338C>A, p.Gln780Lys (NM_205842.3); short protein forms Q774K, Q780K.
Identifiers: ClinVar variation 1810317 (VCV001810317.3), dbSNP rs1697253653, ClinGen allele CA349757576.

ClinVar aggregate classification (germline): Uncertain significance (1 of 4 stars; one submission).

Conditions:
NCKAP1-related disorder. Also called: NCKAP1-related condition.

Allele frequency attached by ClinVar (database versions not stated): gnomAD exomes below 0.00001; TOPMed below 0.00001.
gnomAD v4.1: 1 of 1,613,404 alleles (0.000062%); highest among the groups gnomAD compares: Non-Finnish European, 0.000085%; no homozygotes.

Submission:

GeneDx
Classification: Uncertain significance. Last evaluated: 2023-03-02. Review status: criteria provided, single submitter. Criteria: GeneDx Variant Classification Process June 2021. Collection method: clinical testing. Allele origin: germline. Affected: yes.
Comment: Not observed at significant frequency in large population cohorts (gnomAD); In silico analysis supports that this missense variant has a deleterious effect on protein structure/function; Has not been previously published as pathogenic or benign to our knowledge; This variant is associated with the following publications: (PMID: 27535533)